The following is an entry in ClinVar:

NM_000254.3(MTR):c.3516C>T (p.Arg1172=)

Gene: MTR (5-methyltetrahydrofolate-homocysteine methyltransferase; plus strand). Cytogenetic location: 1q43.
Variant type: single nucleotide variant.
Coding change: c.3516C>T on transcript NM_000254.3 (MANE Select); coding-DNA position 3516, C replaced by T.
Protein change: p.Arg1172=; no amino-acid change (arginine 1172 retained).
Molecular consequence: synonymous variant.
Genome position (GRCh38, 1-based): chr1:236,895,468, C>T. VCF-style: chr1-236895468-C-T. GRCh37 (hg19) VCF-style: chr1-237058768-C-T.
Other names: c.3363C>T, p.Arg1121= (NM_001291939.1); c.2295C>T, p.Arg765= (NM_001291940.2).
Identifiers: ClinVar variation 382363 (VCV000382363.5), dbSNP rs750050502, ClinGen allele CA1474723.

ClinVar aggregate classification (germline): Likely benign. Review status: criteria provided, multiple submitters, no conflicts (2 of 4 stars). 3 submissions from 3 submitters: Likely benign (3). Last evaluated 2025-07-21.

Conditions:
Methylcobalamin deficiency type cblG (HMAG). Also called: HOMOCYSTINURIA-MEGALOBLASTIC ANEMIA, cblG TYPE; Functional methionine synthase deficiency type cblG; HOMOCYSTINURIA-MEGALOBLASTIC ANEMIA, cblG COMPLEMENTATION TYPE; HOMOCYSTINURIA-MEGALOBLASTIC ANEMIA DUE TO DEFECT IN COBALAMIN METABOLISM, cblG COMPLEMENTATION TYPE. Identifiers: Orphanet 2170, Orphanet 622, MedGen C1855128, MONDO:0009609, OMIM 250940.

Allele frequency attached by ClinVar (database versions not stated): gnomAD 0.00001; gnomAD exomes 0.00001; TOPMed 0.00001; ExAC 0.00002.
gnomAD v4.1: 6 of 1,597,878 alleles (0.00038%); highest among the groups gnomAD compares: Admixed American, 0.0051%; no homozygotes.

Submissions (3):

Labcorp Genetics (formerly Invitae), Labcorp
Classification: Likely benign for Methylcobalamin deficiency type cblG. Last evaluated: 2025-07-21. Review status: criteria provided, single submitter. Criteria: Invitae Variant Classification Sherloc (09022015). Collection method: clinical testing. Allele origin: germline.

Blueprint Genetics
Classification: Likely benign. Last evaluated: 2021-04-12. Review status: criteria provided, single submitter. Criteria: ACMG Guidelines, 2015. Collection method: clinical testing. Allele origin: germline.

GeneDx
Classification: Likely benign. Last evaluated: 2016-02-11. Review status: criteria provided, single submitter. Criteria: GeneDx Variant Classification (06012015). Collection method: clinical testing. Allele origin: germline. Affected: yes.
Comment: This variant is considered likely benign or benign based on one or more of the following criteria: it is a conservative change, it occurs at a poorly conserved position in the protein, it is predicted to be benign by multiple in silico algorithms, and/or has population frequency not consistent with disease.